The following is an entry in ClinVar:

ClinVar aggregate classification (germline): Uncertain significance (1 of 4 stars; one submission).

Submission:

Labcorp Genetics (formerly Invitae), Labcorp
Classification: Uncertain significance. Last evaluated: 2022-07-19. Review status: criteria provided, single submitter. Criteria: Invitae Variant Classification Sherloc (09022015). Collection method: clinical testing. Allele origin: germline.
Comment: This variant is a gross deletion of the genomic region encompassing exon(s) 7 of the SHPK gene, which includes the termination codon. This deletion extends beyond the assayed region for this gene and therefore may encompass additional genes. While this deletion is not anticipated to lead to nonsense mediated decay, it is expected to alter mRNA translation or result in a truncated protein product. This variant has not been reported in the literature in individuals affected with SHPK-related conditions. Experimental studies and prediction algorithms are not available or were not evaluated, and the functional significance of this variant is currently unknown. In summary, the available evidence is currently insufficient to determine the role of this variant in disease. Therefore, it has been classified as a Variant of Uncertain Significance.

NC_000017.10:g.(?_3513854)_(3514286_?)del

Gene: SHPK (sedoheptulokinase; minus strand). Cytogenetic location: 17p13.2.
Variant type: Deletion.
Identifiers: ClinVar variation 2425850 (VCV002425850.3).